The following is an entry in ClinVar:

ClinVar aggregate classification (germline): Uncertain significance (1 of 4 stars; one submission).

Conditions:
Intellectual disability, autosomal recessive 53 (NEDHSCA). Also called: GLYCOSYLPHOSPHATIDYLINOSITOL BIOSYNTHESIS DEFECT 13; Mental retardation, autosomal recessive 53; NEURODEVELOPMENTAL DISORDER WITH OR WITHOUT HYPOTONIA, SEIZURES, AND CEREBELLAR ATROPHY. Identifiers: Orphanet 488635, MedGen C4310794, MONDO:0014832, OMIM 616917.

Submission:

Labcorp Genetics (formerly Invitae), Labcorp
Classification: Uncertain significance for Intellectual disability, autosomal recessive 53. Last evaluated: 2019-07-01. Review status: criteria provided, single submitter. Criteria: Invitae Variant Classification Sherloc (09022015). Collection method: clinical testing. Allele origin: germline.
Comment: This sequence change replaces alanine with glutamic acid at codon 888 of the PIGG protein (p.Ala888Glu). The alanine residue is weakly conserved and there is a moderate physicochemical difference between alanine and glutamic acid. This variant is not present in population databases (ExAC no frequency). This variant has not been reported in the literature in individuals with PIGG-related conditions. Algorithms developed to predict the effect of missense changes on protein structure and function are either unavailable or do not agree on the potential impact of this missense change (SIFT: "Tolerated"; PolyPhen-2: "Possibly Damaging"; Align-GVGD: "Class C0"). In summary, the available evidence is currently insufficient to determine the role of this variant in disease. Therefore, it has been classified as a Variant of Uncertain Significance.

NM_001127178.3(PIGG):c.2663C>A (p.Ala888Glu)

Gene: PIGG (phosphatidylinositol glycan anchor biosynthesis class G (EMM blood group); plus strand). Cytogenetic location: 4p16.3.
Variant type: single nucleotide variant.
Coding change: c.2663C>A on transcript NM_001127178.3 (MANE Select); coding-DNA position 2663, C replaced by A.
Protein change: p.Ala888Glu; replaces alanine 888 with glutamic acid.
Molecular consequence: missense variant. On other transcripts: non-coding transcript variant (10).
Genome position (GRCh38, 1-based): chr4:533,909, C>A. VCF-style: chr4-533909-C-A. GRCh37 (hg19) VCF-style: chr4-527698-C-A.
Other names: c.2396C>A, p.Ala799Glu (NM_001289051.2, NM_001345986.2); c.2264C>A, p.Ala755Glu (NM_001289052.2); c.2372C>A, p.Ala791Glu (NM_001345987.2); c.1634C>A, p.Ala545Glu (NM_001345988.2); c.1130C>A, p.Ala377Glu (NM_001345990.2, NM_001345991.2); c.1565C>A, p.Ala522Glu (NM_001345994.2); c.2639C>A, p.Ala880Glu (NM_017733.5); short protein forms A377E, A755E, A791E, A799E, A522E, A545E, A880E, A888E.
Identifiers: ClinVar variation 952397 (VCV000952397.10), dbSNP rs571763092, ClinGen allele CA355911232.
Genomic context (GRCh38, chr4:533,909, plus strand): 5'-TCTCCGCAGGCTTCGTGGGCTTAGACACCTACGTGGAAATCCCAGCCGTGCTCCTGACAG[C>A]GTTTGGGACGTACGCAGGGCCTGTGCTGTGGGCCAGCCACTTAGTGCACTTCCTGAGCTC-3'
Protein context (NP_001120650.1, residues 878-898): YVEIPAVLLT[Ala888Glu]FGTYAGPVLW